The following is an entry in ClinVar:

NM_001267550.2(TTN):c.42151+17A>G

Gene: TTN (titin; minus strand). Cytogenetic location: 2q31.2.
Variant type: single nucleotide variant.
Coding change: c.42151+17A>G on transcript NM_001267550.2 (MANE Select); 17 bases into the intron after coding-DNA position 42151, A replaced by G.
Molecular consequence: intron variant.
Genome position (GRCh38, 1-based): chr2:178,634,706, T>C on the plus strand (A>G on the coding strand, the complement: TTN is on the minus strand). VCF-style: chr2-178634706-T-C. GRCh37 (hg19) VCF-style: chr2-179499433-T-C.
Other names: c.37228+17A>G (NM_001256850.1); c.14956+17A>G (NM_003319.4); c.15532+17A>G (NM_133437.4); c.15331+17A>G (NM_133432.3); c.34447+17A>G (NM_133378.4).
Identifiers: ClinVar variation 506570 (VCV000506570.11), dbSNP rs546392087, ClinGen allele CA1996141.
Genomic context (GRCh38, chr2:178,634,706, plus strand): 5'-AAGAATGAGGCTTTTCAGAATGCACAGGGAAGTGAAATAAAGTTGAGACCCCTCCCCAAA[T>C]TCTAAAAGCCCCATACCTTTTACTGTCAAAATGGCAGTTGTAATTGCATTAAGGGCCTGG-3'

ClinVar aggregate classification (germline): Likely benign. Review status: criteria provided, multiple submitters, no conflicts (2 of 4 stars). 3 submissions from 3 submitters: Likely benign (3). Last evaluated 2025-12-31.

Conditions:
Dilated cardiomyopathy 1G (CMD1G). Identifiers: Orphanet 154, MedGen C1858763, MONDO:0011400, OMIM 604145.
Autosomal recessive limb-girdle muscular dystrophy type 2J (LGMDR10). Also called: Limb-girdle muscular dystrophy, type 2J; MUSCULAR DYSTROPHY, LIMB-GIRDLE, AUTOSOMAL RECESSIVE 10. Identifiers: Orphanet 140922, MedGen C1837342, MONDO:0012127, OMIM 608807.

Allele frequency attached by ClinVar (database versions not stated): TOPMed 0.00005; gnomAD 0.00006; 1000 Genomes Project 30x 0.00031; 1000 Genomes Project 0.00040.
gnomAD v4.1: 16 of 1,612,648 alleles (0.00099%); highest among the groups gnomAD compares: African/African-American, 0.017%; no homozygotes.

Submissions (3):

Labcorp Genetics (formerly Invitae), Labcorp
Classification: Likely benign for Dilated cardiomyopathy 1G; Autosomal recessive limb-girdle muscular dystrophy type 2J. Last evaluated: 2025-12-31. Review status: criteria provided, single submitter. Criteria: Invitae Variant Classification Sherloc (09022015). Collection method: clinical testing. Allele origin: germline.

Women's Health and Genetics/Laboratory Corporation of America, LabCorp
Classification: Likely benign. Last evaluated: 2025-04-23. Review status: criteria provided, single submitter. Criteria: LabCorp Variant Classification Summary - May 2015. Collection method: clinical testing. Allele origin: germline.

GeneDx
Classification: Likely benign. Last evaluated: 2017-07-18. Review status: criteria provided, single submitter. Criteria: GeneDx Variant Classification (06012015). Collection method: clinical testing. Allele origin: germline. Affected: yes.
Comment: This variant is considered likely benign or benign based on one or more of the following criteria: it is a conservative change, it occurs at a poorly conserved position in the protein, it is predicted to be benign by multiple in silico algorithms, and/or has population frequency not consistent with disease.